The following is an entry in ClinVar:

NM_016169.4(SUFU):c.1157G>C (p.Arg386Thr)

Gene: SUFU (SUFU negative regulator of hedgehog signaling; plus strand). Cytogenetic location: 10q24.32.
Variant type: single nucleotide variant.
Coding change: c.1157G>C on transcript NM_016169.4 (MANE Select); coding-DNA position 1157, G replaced by C.
Protein change: p.Arg386Thr; replaces arginine 386 with threonine.
Molecular consequence: missense variant.
Genome position (GRCh38, 1-based): chr10:102,615,402, G>C. VCF-style: chr10-102615402-G-C. GRCh37 (hg19) VCF-style: chr10-104375159-G-C.
Other names: c.1157G>C, p.Arg386Thr (NM_001178133.2); short protein forms R386T.
Identifiers: ClinVar variation 1735663 (VCV001735663.9), dbSNP rs767814106, ClinGen allele CA377914632.

ClinVar aggregate classification (germline): Uncertain significance. Review status: criteria provided, multiple submitters, no conflicts (2 of 4 stars). 3 submissions from 3 submitters: Uncertain significance (3). Last evaluated 2024-12-18.

Conditions:
Gorlin syndrome. Also called: Nevoid Basal Cell Carcinoma Syndrome; Basal cell nevus syndrome. Identifiers: Orphanet 377, MedGen C0004779, MONDO:0007187.
Medulloblastoma (MDB). Also called: MEDULLOBLASTOMA PREDISPOSITION SYNDROME; Medulloblastoma, somatic. Identifiers: Orphanet 616, MedGen C0025149, MeSH D008527, MONDO:0007959, OMIM 155255, HP:0002885.
Hereditary cancer-predisposing syndrome. Also called: Neoplastic Syndromes, Hereditary; Tumor predisposition; Hereditary Cancer Syndrome; Hereditary neoplastic syndrome. Identifiers: Orphanet 140162, MedGen C0027672, MeSH D009386, MONDO:0015356.

gnomAD v4.1: 2 of 1,613,860 alleles (0.00012%); highest among the groups gnomAD compares: East Asian, 0.0045%; no homozygotes.

Submissions (3):

Labcorp Genetics (formerly Invitae), Labcorp
Classification: Uncertain significance for Gorlin syndrome; Medulloblastoma. Last evaluated: 2024-12-18. Review status: criteria provided, single submitter. Criteria: Invitae Variant Classification Sherloc (09022015). Collection method: clinical testing. Allele origin: germline.
Comment: This sequence change replaces arginine, which is basic and polar, with threonine, which is neutral and polar, at codon 386 of the SUFU protein (p.Arg386Thr). This variant also falls at the last nucleotide of exon 9, which is part of the consensus splice site for this exon. This variant is present in population databases (no rsID available, gnomAD 0.06%). This variant has not been reported in the literature in individuals affected with SUFU-related conditions. ClinVar contains an entry for this variant (Variation ID: 1735663). An algorithm developed to predict the effect of missense changes on protein structure and function (PolyPhen-2) suggests that this variant is likely to be disruptive. Variants that disrupt the consensus splice site are a relatively common cause of aberrant splicing (PMID: 17576681, 9536098). Algorithms developed to predict the effect of sequence changes on RNA splicing suggest that this variant may disrupt the consensus splice site. In summary, the available evidence is currently insufficient to determine the role of this variant in disease. Therefore, it has been classified as a Variant of Uncertain Significance.

Ambry Genetics
Classification: Uncertain significance for Hereditary cancer-predisposing syndrome. Last evaluated: 2024-10-14. Review status: criteria provided, single submitter. Criteria: Ambry Variant Classification Scheme 2023. Collection method: clinical testing. Allele origin: germline.
Comment: The p.R386T variant (also known as c.1157G>C), located in coding exon 9 of the SUFU gene, results from a G to C substitution at nucleotide position 1157. The arginine at codon 386 is replaced by threonine, an amino acid with similar properties. However, this change occurs in the last base pair of coding exon 9 and may have some effect on normal mRNA splicing. This nucleotide position is highly conserved in available vertebrate species. In silico splice site analysis predicts that this alteration will not have any significant effect on splicing. This amino acid position is highly conserved in available vertebrate species. In addition, as a missense substitution this is predicted to be tolerated by in silico analysis. Since supporting evidence is limited at this time, the clinical significance of this alteration remains unclear.

GeneDx
Classification: Uncertain significance. Last evaluated: 2023-03-28. Review status: criteria provided, single submitter. Criteria: GeneDx Variant Classification Process June 2021. Collection method: clinical testing. Allele origin: germline. Affected: yes.
Comment: Not observed at significant frequency in large population cohorts (gnomAD); In silico analysis supports that this missense variant has a deleterious effect on protein structure/function; Has not been previously published as pathogenic or benign to our knowledge; This variant is associated with the following publications: (PMID: 9536098, 17576681, 12426310)

Literature cited by the submitters: PubMed 17576681 (cited by Labcorp Genetics (formerly Invitae), Labcorp); PubMed 9536098 (cited by Labcorp Genetics (formerly Invitae), Labcorp).